The following is an entry in ClinVar:

NM_019032.6(ADAMTSL4):c.1011C>T (p.Ala337=)

Genes: ADAMTSL4 (ADAMTS like 4; plus strand), ADAMTSL4-AS2 (ADAMTSL4 antisense RNA 2; minus strand). Cytogenetic location: 1q21.2.
Variant type: single nucleotide variant.
Coding change: c.1011C>T on transcript NM_019032.6 (MANE Select); coding-DNA position 1011, C replaced by T.
Protein change: p.Ala337=; no amino-acid change (alanine 337 retained).
Molecular consequence: synonymous variant.
Genome position (GRCh38, 1-based): chr1:150,554,002, C>T. VCF-style: chr1-150554002-C-T. GRCh37 (hg19) VCF-style: chr1-150526478-C-T.
Other names: c.1011C>T, p.Ala337= (NM_001288607.2, NM_001288608.2, NM_001378596.1 and 1 more transcripts); c.1011C>T (NM_019032.5).
Identifiers: ClinVar variation 1603762 (VCV001603762.10), dbSNP rs754389254, ClinGen allele CA1078100.

ClinVar aggregate classification (germline): Likely benign. Review status: criteria provided, single submitter (1 of 4 stars). 2 submissions from 2 submitters: Likely benign (1). 1 of the submissions does not count toward it. Last evaluated 2025-12-11.

Conditions:
ADAMTSL4-related disorder. Also called: ADAMTSL4-related condition; ADAMTSL4-Related Disorders.

Allele frequency attached by ClinVar (database versions not stated): gnomAD exomes 0.00002; gnomAD 0.00003 and 0.00004; ExAC 0.00004; TOPMed 0.00004.
gnomAD v4.1: 38 of 1,611,864 alleles (0.0024%); highest among the groups gnomAD compares: Non-Finnish European, 0.0028%; no homozygotes.

Submissions (2):

Labcorp Genetics (formerly Invitae), Labcorp
Classification: Likely benign. Last evaluated: 2025-12-11. Review status: criteria provided, single submitter. Criteria: Invitae Variant Classification Sherloc (09022015). Collection method: clinical testing. Allele origin: germline.

PreventionGenetics, part of Exact Sciences
Classification: Likely benign for ADAMTSL4-related condition. Last evaluated: 2019-05-01. Review status: no assertion criteria provided. Collection method: clinical testing. Allele origin: germline. Not counted in ClinVar's aggregate classification.
Comment: This variant is classified as likely benign based on ACMG/AMP sequence variant interpretation guidelines (Richards et al. 2015 PMID: 25741868, with internal and published modifications).